The following is an entry in ClinVar:

NM_000088.4(COL1A1):c.1354-13C>T

Gene: COL1A1 (collagen type I alpha 1 chain; minus strand). Cytogenetic location: 17q21.33.
Variant type: single nucleotide variant.
Coding change: c.1354-13C>T on transcript NM_000088.4 (MANE Select); 13 bases into the intron before coding-DNA position 1354, C replaced by T.
Molecular consequence: intron variant.
Genome position (GRCh38, 1-based): chr17:50,194,841, G>A on the plus strand (C>T on the coding strand, the complement: COL1A1 is on the minus strand). VCF-style: chr17-50194841-G-A. GRCh37 (hg19) VCF-style: chr17-48272202-G-A.
Other names: c.1354-13C>T (NM_000088.3).
Identifiers: ClinVar variation 1575538 (VCV001575538.9), dbSNP rs372034810, ClinGen allele CA8645272.

ClinVar aggregate classification (germline): Likely benign. Review status: criteria provided, multiple submitters, no conflicts (2 of 4 stars). 2 submissions from 2 submitters: Likely benign (2). Last evaluated 2025-04-16.

Conditions:
Osteogenesis imperfecta type I (OI1). Also called: OI, TYPE I; OSTEOGENESIS IMPERFECTA TARDA; OSTEOGENESIS IMPERFECTA WITH BLUE SCLERAE; Osteogenesis imperfecta type 1; Lobstein's Disease; Lobstein disease. Identifiers: Orphanet 216796, Orphanet 666, MedGen C0023931, MONDO:0008146, OMIM 166200. Disease mechanism: loss of function.
COL1A1-related disorder. Also called: COL1A1- related disease; COL1A1-related condition.

Allele frequency attached by ClinVar (database versions not stated): gnomAD exomes 0.00001 and 0.00003; ExAC 0.00011; gnomAD 0.00012 and 0.00013; ESP Exome Variant Server 0.00016; TOPMed 0.00017.
gnomAD v4.1: 38 of 1,567,392 alleles (0.0024%); highest among the groups gnomAD compares: African/African-American, 0.045%; no homozygotes.

Submissions (2):

PreventionGenetics, part of Exact Sciences
Classification: Likely benign for COL1A1-related condition. Last evaluated: 2025-04-16. Review status: criteria provided, single submitter. Criteria: ACMG Guidelines, 2015. Collection method: clinical testing. Allele origin: germline.
Comment: This variant is classified as likely benign based on ACMG/AMP sequence variant interpretation guidelines (Richards et al. 2015 PMID: 25741868, with internal and published modifications).

Labcorp Genetics (formerly Invitae), Labcorp
Classification: Likely benign for Osteogenesis imperfecta type I. Last evaluated: 2025-04-03. Review status: criteria provided, single submitter. Criteria: Invitae Variant Classification Sherloc (09022015). Collection method: clinical testing. Allele origin: germline.